The following is an entry in ClinVar:

ClinVar aggregate classification (germline): Uncertain significance (1 of 4 stars; one submission).

gnomAD v4.1: 2 of 1,368,224 alleles (0.00015%); highest among the groups gnomAD compares: Non-Finnish European, 0.00019%; no homozygotes.

Submission:

GeneDx
Classification: Uncertain significance. Last evaluated: 2025-08-04. Review status: criteria provided, single submitter. Criteria: GeneDx Variant Classification Process June 2021. Collection method: clinical testing. Allele origin: germline. Affected: yes.
Comment: Not observed at significant frequency in large population cohorts (gnomAD); In silico analysis suggests that this missense variant does not alter protein structure/function; Has not been previously published as pathogenic or benign to our knowledge

NM_016148.5(SHANK1):c.3407C>T (p.Ala1136Val)

Gene: SHANK1 (SH3 and multiple ankyrin repeat domains 1; minus strand). Cytogenetic location: 19q13.33.
Variant type: single nucleotide variant.
Coding change: c.3407C>T on transcript NM_016148.5 (MANE Select); coding-DNA position 3407, C replaced by T.
Protein change: p.Ala1136Val; replaces alanine 1136 with valine.
Molecular consequence: missense variant.
Genome position (GRCh38, 1-based): chr19:50,668,553, G>A on the plus strand (C>T on the coding strand, the complement: SHANK1 is on the minus strand). VCF-style: chr19-50668553-G-A. GRCh37 (hg19) VCF-style: chr19-51171810-G-A.
Other names: short protein forms A1136V.
Identifiers: ClinVar variation 4756010 (VCV004756010.1).
Genomic context (GRCh38, chr19:50,668,553, plus strand): 5'-GGGATGGGGATGGAGTTCTTCTCCGAGGGCGCGGCCACGGCGGGCGGCGGCTGCGGGGAG[G>A]CCGGGGACGTGGGCGACGGCGCGGGCGGGAGGCCGCCGCCCTTCTGGGGCTCGCCTTCCA-3'
Protein context (NP_057232.2, residues 1126-1146): LPPAPSPTSP[Ala1136Val]SPQPPPAVAA